The following is an entry in ClinVar:

NM_024757.5(EHMT1):c.3880_3881delinsTT (p.Ala1294Phe)

Gene: EHMT1 (euchromatic histone lysine methyltransferase 1; plus strand). Cytogenetic location: 9q34.3.
Variant type: Indel.
Coding change: c.3880_3881delinsTT on transcript NM_024757.5 (MANE Select); coding-DNA positions 3880 to 3881, GC replaced by TT.
Protein change: p.Ala1294Phe; replaces alanine 1294 with phenylalanine.
Molecular consequence: missense variant.
Genome position (GRCh38, 1-based): chr9:137,834,936-137,834,937, GC replaced by TT. VCF-style: chr9-137834936-GC-TT. GRCh37 (hg19) VCF-style: chr9-140729388-GC-TT.
Other names: c.3859_3860delinsTT, p.Ala1287Phe (NM_001354263.2); short protein forms A1287F, A1294F.
Identifiers: ClinVar variation 2698258 (VCV002698258.3), dbSNP rs2539007705, ClinGen allele CA2697558236.

ClinVar aggregate classification (germline): Uncertain significance (1 of 4 stars; one submission).

Conditions:
Kleefstra syndrome 1 (KLEFS1). Identifiers: Orphanet 261494, MedGen C0795833, MONDO:0027407, OMIM 610253.

Submission:

Labcorp Genetics (formerly Invitae), Labcorp
Classification: Uncertain significance for Kleefstra syndrome 1. Last evaluated: 2023-11-24. Review status: criteria provided, single submitter. Criteria: Invitae Variant Classification Sherloc (09022015). Collection method: clinical testing. Allele origin: germline.
Comment: This sequence change replaces alanine, which is neutral and non-polar, with phenylalanine, which is neutral and non-polar, at codon 1294 of the EHMT1 protein (p.Ala1294Phe). Information on the frequency of this variant in the gnomAD database is not available, as this variant may be reported differently in the database. This variant has not been reported in the literature in individuals affected with EHMT1-related conditions. An algorithm developed to predict the effect of missense changes on protein structure and function (PolyPhen-2) suggests that this variant is likely to be disruptive. In summary, the available evidence is currently insufficient to determine the role of this variant in disease. Therefore, it has been classified as a Variant of Uncertain Significance.